The following is an entry in ClinVar:

ClinVar aggregate classification (germline): Benign/Likely benign. Review status: criteria provided, multiple submitters, no conflicts (2 of 4 stars). 4 submissions from 4 submitters: Benign (1); Likely benign (2). 1 of the submissions does not count toward it. Last evaluated 2025-02-16.

Conditions:
IKBKG-related disorder. Also called: IKBKG-related condition.

Allele frequency attached by ClinVar (database versions not stated): ESP Exome Variant Server 0.00049; gnomAD 0.00058 and 0.00057; gnomAD exomes 0.00032 and 0.00036; 1000 Genomes Project 0.00053; TOPMed 0.00036; 1000 Genomes Project 30x 0.00042; ExAC 0.00058.
gnomAD v4.1: 408 of 1,195,589 alleles (0.034%); highest among the groups gnomAD compares: African/African-American, 0.087%; no homozygotes.

Submissions (4):

Laboratory of Genetics, Children's Clinical University Hospital Latvia
Classification: Likely benign. Last evaluated: 2025-02-16. Review status: criteria provided, single submitter. Criteria: ACMG Guidelines, 2015. Collection method: clinical testing. Allele origin: germline. Affected: yes.

CeGaT Center for Human Genetics Tuebingen
Classification: Likely benign. Last evaluated: 2023-03-01. Review status: criteria provided, single submitter. Criteria: CeGaT Center For Human Genetics Tuebingen Variant Classification Criteria Version 2. Collection method: clinical testing. Allele origin: germline. Affected: yes. Observed: 1 variant allele.
Comment: IKBKG: BP4, BP7, BS2

ARUP Laboratories, Molecular Genetics and Genomics, ARUP Laboratories
Classification: Benign. Last evaluated: 2019-06-08. Review status: criteria provided, single submitter. Criteria: ARUP Molecular Germline Variant Investigation Process. Collection method: clinical testing. Allele origin: germline.

PreventionGenetics, part of Exact Sciences
Classification: Likely benign for IKBKG-related condition. Last evaluated: 2020-08-24. Review status: no assertion criteria provided. Collection method: clinical testing. Allele origin: germline. Not counted in ClinVar's aggregate classification.
Comment: This variant is classified as likely benign based on ACMG/AMP sequence variant interpretation guidelines (Richards et al. 2015 PMID: 25741868, with internal and published modifications).

NM_001099856.6(IKBKG):c.156A>G (p.Leu52=)

Genes: G6PD (glucose-6-phosphate dehydrogenase; minus strand), IKBKG (inhibitor of nuclear factor kappa B kinase regulatory subunit gamma; plus strand), LOC108281126 (G6PD and IKBKG intron CAGE-defined low expression enhancer; plus strand). Cytogenetic location: Xq28.
Variant type: single nucleotide variant.
Coding change: c.156A>G on transcript NM_001099856.6; coding-DNA position 156, A replaced by G.
Protein change: p.Leu52=; no amino-acid change (leucine 52 retained).
Molecular consequence: synonymous variant. On other transcripts: intron variant (6).
Genome position (GRCh38, 1-based): chrX:154,542,419, A>G. VCF-style: chrX-154542419-A-G. GRCh37 (hg19) VCF-style: chrX-153770634-A-G.
Other names: c.120+3617T>C (NM_001360016.2, NM_001042351.3); c.-16+1028A>G (NM_001377312.1, NM_001377313.1); c.-16+32A>G (NM_001321396.3); c.210+3617T>C (NM_000402.4).
Identifiers: ClinVar variation 811461 (VCV000811461.32), dbSNP rs368857323, ClinGen allele CA10566352.